The following is an entry in ClinVar:

NM_032808.7(LINGO1):c.1311C>T (p.Asp437=)

Gene: LINGO1 (leucine rich repeat and Ig domain containing 1; minus strand). Cytogenetic location: 15q24.3.
Variant type: single nucleotide variant.
Coding change: c.1311C>T on transcript NM_032808.7 (MANE Select); coding-DNA position 1311, C replaced by T.
Protein change: p.Asp437=; no amino-acid change (aspartic acid 437 retained).
Molecular consequence: synonymous variant.
Genome position (GRCh38, 1-based): chr15:77,614,596, G>A on the plus strand (C>T on the coding strand, the complement: LINGO1 is on the minus strand). VCF-style: chr15-77614596-G-A. GRCh37 (hg19) VCF-style: chr15-77906938-G-A.
Other names: c.1293C>T, p.Asp431= (NM_001301186.2, NM_001301187.2, NM_001301189.2 and 8 more transcripts).
Identifiers: ClinVar variation 5038712 (VCV005038712.1).

ClinVar aggregate classification (germline): Likely benign (1 of 4 stars; one submission).

gnomAD v4.1: 80 of 1,610,890 alleles (0.005%); highest among the groups gnomAD compares: Middle Eastern, 0.066%; no homozygotes.

Submission:

CeGaT Center for Human Genetics Tuebingen
Classification: Likely benign. Last evaluated: 2026-07-01. Review status: criteria provided, single submitter. Criteria: CeGaT Center For Human Genetics Tuebingen Variant Classification Criteria Version 2. Collection method: clinical testing. Allele origin: germline. Affected: yes. Observed: 1 variant allele.
Comment: LINGO1: BP4, BP7